The following is an entry in ClinVar:

ClinVar aggregate classification (germline): Uncertain significance. Review status: criteria provided, multiple submitters, no conflicts (2 of 4 stars). 2 submissions from 2 submitters: Uncertain significance (2). Last evaluated 2024-11-08.

Allele frequency attached by ClinVar (database versions not stated): TOPMed below 0.00001; gnomAD 0.00001; gnomAD exomes 0.00001.
gnomAD v4.1: 14 of 1,537,350 alleles (0.00091%); highest among the groups gnomAD compares: Middle Eastern, 0.017%; no homozygotes.

Submissions (2):

Blueprint Genetics
Classification: Uncertain significance. Last evaluated: 2024-11-08. Review status: criteria provided, single submitter. Criteria: ACMG Guidelines, 2015. Collection method: clinical testing. Allele origin: germline.

Labcorp Genetics (formerly Invitae), Labcorp
Classification: Uncertain significance. Last evaluated: 2022-03-27. Review status: criteria provided, single submitter. Criteria: Invitae Variant Classification Sherloc (09022015). Collection method: clinical testing. Allele origin: germline.
Comment: This sequence change replaces arginine, which is basic and polar, with tryptophan, which is neutral and slightly polar, at codon 673 of the IFT81 protein (p.Arg673Trp). This variant is present in population databases (no rsID available, gnomAD 0.002%). This variant has not been reported in the literature in individuals affected with IFT81-related conditions. ClinVar contains an entry for this variant (Variation ID: 845164). Algorithms developed to predict the effect of missense changes on protein structure and function are either unavailable or do not agree on the potential impact of this missense change (SIFT: "Deleterious"; PolyPhen-2: "Probably Damaging"; Align-GVGD: "Class C0"). In summary, the available evidence is currently insufficient to determine the role of this variant in disease. Therefore, it has been classified as a Variant of Uncertain Significance.

NM_014055.4(IFT81):c.2017C>T (p.Arg673Trp)

Gene: IFT81 (intraflagellar transport 81; plus strand). Cytogenetic location: 12q24.11.
Variant type: single nucleotide variant.
Coding change: c.2017C>T on transcript NM_014055.4 (MANE Select); coding-DNA position 2017, C replaced by T.
Protein change: p.Arg673Trp; replaces arginine 673 with tryptophan.
Molecular consequence: missense variant. On other transcripts: non-coding transcript variant (4).
Genome position (GRCh38, 1-based): chr12:110,218,212, C>T. VCF-style: chr12-110218212-C-T. GRCh37 (hg19) VCF-style: chr12-110656017-C-T.
Other names: c.2017C>T, p.Arg673Trp (NM_001143779.2); c.1087C>T, p.Arg363Trp (NM_001347947.2, NM_001347948.2); short protein forms R363W, R673W.
Identifiers: ClinVar variation 845164 (VCV000845164.9), dbSNP rs1437157230, ClinGen allele CA386911344.